The following is an entry in ClinVar:

NM_007294.4(BRCA1):c.40del (p.Val14fs)

Gene: BRCA1 (BRCA1 DNA repair associated; minus strand). Cytogenetic location: 17q21.31.
Variant type: Deletion.
Coding change: c.40del on transcript NM_007294.4 (MANE Select); coding-DNA position 40, one base deleted (G; older notation c.40delG).
Protein change: p.Val14fs; shifts the reading frame from valine 14.
Molecular consequence: frameshift variant. On other transcripts: 5 prime UTR variant (1), non-coding transcript variant (1).
Genome position (GRCh38, 1-based): chr17:43,124,057, C deleted on the plus strand (G on the coding strand, the reverse complement: BRCA1 is on the minus strand). VCF-style (leftmost placement, unchanged base first): chr17-43124056-AC-A. GRCh37 (hg19) VCF-style: chr17-41276073-AC-A.
Other names: 159delG; c.40delG, p.Val14Serfs (NM_001407665.1, NM_001407666.1, NM_001407667.1 and 192 more transcripts); c.-218delG (NM_001407694.1, NM_001407724.1, NM_001407727.1 and 11 more transcripts); c.-222delG (NM_001407695.1, NM_001408465.1); c.-363delG (NM_001407696.1); c.-247delG (NM_001407697.1, NM_001407846.1, NM_001407920.1); c.-48delG (NM_001407698.1, NM_001407732.1, NM_001407736.1 and 22 more transcripts); c.-221delG (NM_001407725.1, NM_001407730.1, NM_001407734.1 and 22 more transcripts); and 11 more; short protein forms V14fs.
Identifiers: ClinVar variation 266443 (VCV000266443.9), dbSNP rs886040201, ClinGen allele CA10590047.

ClinVar aggregate classification (germline): Pathogenic. Review status: reviewed by expert panel (3 of 4 stars). 3 submissions from 3 submitters: Pathogenic (1). 2 of the submissions do not count toward it. Last evaluated 2016-10-18.

Conditions:
Hereditary breast ovarian cancer syndrome. Also called: Hereditary breast and ovarian cancer syndrome (HBOC); Breast and ovarian cancer; Hereditary breast and ovarian cancer syndrome; Hereditary breast and ovarian cancer; BRCA1- and BRCA2-Associated Hereditary Breast and Ovarian Cancer; Hereditary breast and/or ovarian cancer syndrome. Identifiers: Orphanet 145, MedGen C0677776, MeSH D061325, MONDO:0003582. Disease mechanism: loss of function.
Breast-ovarian cancer, familial, susceptibility to, 1 (BROVCA1). Also called: BRCA1 Hereditary Breast and Ovarian Cancer; OVARIAN CANCER, SUSCEPTIBILITY TO. Identifiers: Orphanet 145, MedGen C2676676, MONDO:0011450, OMIM 604370. Disease mechanism: loss of function.

Submissions (3):

Evidence-based Network for the Interpretation of Germline Mutant Alleles (ENIGMA)
Classification: Pathogenic for Breast-ovarian cancer, familial, susceptibility to, 1. Last evaluated: 2016-10-18. Review status: reviewed by expert panel. Criteria: ENIGMA BRCA1/2 Classification Criteria (2015). Collection method: curation. Allele origin: germline.
Comment: Variant allele predicted to encode a truncated non-functional protein.

Labcorp Genetics (formerly Invitae), Labcorp
Classification: Pathogenic for Hereditary breast ovarian cancer syndrome. Last evaluated: 2022-11-15. Review status: criteria provided, single submitter. Criteria: Invitae Variant Classification Sherloc (09022015). Collection method: clinical testing. Allele origin: germline. Not counted in ClinVar's aggregate classification.
Comment: ClinVar contains an entry for this variant (Variation ID: 266443). For these reasons, this variant has been classified as Pathogenic. This variant has not been reported in the literature in individuals affected with BRCA1-related conditions. This variant is not present in population databases (gnomAD no frequency). This sequence change creates a premature translational stop signal (p.Val14Serfs*9) in the BRCA1 gene. It is expected to result in an absent or disrupted protein product. Loss-of-function variants in BRCA1 are known to be pathogenic (PMID: 20104584).

Consortium of Investigators of Modifiers of BRCA1/2 (CIMBA), c/o University of Cambridge
Classification: Pathogenic for Breast-ovarian cancer, familial, susceptibility to, 1. Last evaluated: 2015-10-02. Review status: criteria provided, single submitter. Criteria: CIMBA Mutation Classification guidelines May 2016. Collection method: clinical testing. Allele origin: germline. Not counted in ClinVar's aggregate classification.

Literature cited by the submitters: PubMed 20104584 (cited by Labcorp Genetics (formerly Invitae), Labcorp).